The following is an entry in ClinVar:

NM_006939.4(SOS2):c.3190T>C (p.Cys1064Arg)

Gene: SOS2 (SOS Ras/Rho guanine nucleotide exchange factor 2; minus strand). Cytogenetic location: 14q21.3.
Variant type: single nucleotide variant.
Coding change: c.3190T>C on transcript NM_006939.4 (MANE Select); coding-DNA position 3190, T replaced by C.
Protein change: p.Cys1064Arg; replaces cysteine 1064 with arginine.
Molecular consequence: missense variant.
Genome position (GRCh38, 1-based): chr14:50,130,648, A>G on the plus strand (T>C on the coding strand, the complement: SOS2 is on the minus strand). VCF-style: chr14-50130648-A-G. GRCh37 (hg19) VCF-style: chr14-50597366-A-G.
Other names: short protein forms C1064R.
Identifiers: ClinVar variation 842273 (VCV000842273.11), dbSNP rs1224696199, ClinGen allele CA389640803.

ClinVar aggregate classification (germline): Uncertain significance. Review status: criteria provided, multiple submitters, no conflicts (2 of 4 stars). 2 submissions from 2 submitters: Uncertain significance (2). Last evaluated 2025-09-10.

Conditions:
Cardiovascular phenotype. Identifiers: MedGen CN230736.
Noonan syndrome 9 (NS9). Identifiers: Orphanet 648, MedGen C4225282, MONDO:0014691, OMIM 616559.

Submissions (2):

Labcorp Genetics (formerly Invitae), Labcorp
Classification: Uncertain significance for Noonan syndrome 9. Last evaluated: 2025-09-10. Review status: criteria provided, single submitter. Criteria: Invitae Variant Classification Sherloc (09022015). Collection method: clinical testing. Allele origin: germline.
Comment: This sequence change replaces cysteine, which is neutral and slightly polar, with arginine, which is basic and polar, at codon 1064 of the SOS2 protein (p.Cys1064Arg). This variant is not present in population databases (gnomAD no frequency). This variant has not been reported in the literature in individuals affected with SOS2-related conditions. ClinVar contains an entry for this variant (Variation ID: 842273). Invitae Evidence Modeling of protein sequence and biophysical properties (such as structural, functional, and spatial information, amino acid conservation, physicochemical variation, residue mobility, and thermodynamic stability) indicates that this missense variant is not expected to disrupt SOS2 protein function with a negative predictive value of 95%. In summary, the available evidence is currently insufficient to determine the role of this variant in disease. Therefore, it has been classified as a Variant of Uncertain Significance.

Ambry Genetics
Classification: Uncertain significance for Cardiovascular phenotype. Last evaluated: 2023-01-29. Review status: criteria provided, single submitter. Criteria: Ambry Variant Classification Scheme 2023. Collection method: clinical testing. Allele origin: germline.
Comment: The p.C1064R variant (also known as c.3190T>C), located in coding exon 20 of the SOS2 gene, results from a T to C substitution at nucleotide position 3190. The cysteine at codon 1064 is replaced by arginine, an amino acid with highly dissimilar properties. This amino acid position is conserved. In addition, this alteration is predicted to be tolerated by in silico analysis. Since supporting evidence is limited at this time, the clinical significance of this alteration remains unclear.